The following is an entry in ClinVar:

ClinVar aggregate classification (germline): Pathogenic/Likely pathogenic. Review status: criteria provided, multiple submitters, no conflicts (2 of 4 stars). 3 submissions from 3 submitters: Pathogenic (2); Likely pathogenic (1). Last evaluated 2023-08-10.

Conditions:
SPATA7-related disorder. Also called: SPATA7-related disorders; SPATA7-related condition. Identifiers: MedGen CN239422.
Leber congenital amaurosis 3 (LCA3). Also called: SPATA7-Related Retinitis Pigmentosa. Identifiers: MedGen C1858677, MONDO:0011415, OMIM 604232.

Allele frequency attached by ClinVar (database versions not stated): gnomAD 0.00001.
gnomAD v4.1: 1 of 1,601,950 alleles (0.000062%); highest among the groups gnomAD compares: African/African-American, 0.0013%; no homozygotes.

Submissions (3):

Labcorp Genetics (formerly Invitae), Labcorp
Classification: Pathogenic for Leber congenital amaurosis 3. Last evaluated: 2023-08-10. Review status: criteria provided, single submitter. Criteria: Invitae Variant Classification Sherloc (09022015). Collection method: clinical testing. Allele origin: germline.
Comment: For these reasons, this variant has been classified as Pathogenic. Algorithms developed to predict the effect of sequence changes on RNA splicing suggest that this variant may disrupt the consensus splice site. ClinVar contains an entry for this variant (Variation ID: 1686226). Disruption of this splice site has been observed in individual(s) with SPATA7-related conditions (Invitae). In at least one individual the data is consistent with being in trans (on the opposite chromosome) from a pathogenic variant. This variant is not present in population databases (gnomAD no frequency). This sequence change affects a donor splice site in intron 1 of the SPATA7 gene. It is expected to disrupt RNA splicing. Variants that disrupt the donor or acceptor splice site typically lead to a loss of protein function (PMID: 16199547), and loss-of-function variants in SPATA7 are known to be pathogenic (PMID: 19268277, 22334370, 23847139, 26047050, 26261414).

Mendelics
Classification: Pathogenic for Leber congenital amaurosis 3. Last evaluated: 2022-05-04. Review status: criteria provided, single submitter. Criteria: Mendelics Assertion Criteria 2019. Collection method: clinical testing. Allele origin: germline.

Blueprint Genetics
Classification: Likely pathogenic for SPATA7-related disorders. Last evaluated: 2018-12-27. Review status: criteria provided, single submitter. Criteria: ACMG Guidelines, 2015. Collection method: clinical testing. Allele origin: germline. Affected: yes. Observed: 1 variant allele.

Literature cited by the submitters: PubMed 16199547 (cited by Labcorp Genetics (formerly Invitae), Labcorp); PubMed 19268277 (cited by Labcorp Genetics (formerly Invitae), Labcorp); PubMed 22334370 (cited by Labcorp Genetics (formerly Invitae), Labcorp); PubMed 23847139 (cited by Labcorp Genetics (formerly Invitae), Labcorp); PubMed 26047050 (cited by Labcorp Genetics (formerly Invitae), Labcorp); PubMed 26261414 (cited by Labcorp Genetics (formerly Invitae), Labcorp).

NM_018418.5(SPATA7):c.19+2T>A

Genes: SPATA7 (spermatogenesis associated 7; plus strand), LOC130056226 (ATAC-STARR-seq lymphoblastoid active region 8840; plus strand). Cytogenetic location: 14q31.3.
Variant type: single nucleotide variant.
Coding change: c.19+2T>A on transcript NM_018418.5 (MANE Select); the canonical splice donor site of the intron after coding-DNA position 19, T replaced by A.
Molecular consequence: splice donor variant.
Genome position (GRCh38, 1-based): chr14:88,385,839, T>A. VCF-style: chr14-88385839-T-A. GRCh37 (hg19) VCF-style: chr14-88852183-T-A.
Other names: c.19+2T>A (NM_001040428.4).
Identifiers: ClinVar variation 1686226 (VCV001686226.7), dbSNP rs866837129, ClinGen allele CA264502591.